The following is an entry in ClinVar:

NM_019066.5(MAGEL2):c.3003G>A (p.Pro1001=)

Gene: MAGEL2 (MAGE family member L2; minus strand). Cytogenetic location: 15q11.2.
Variant type: single nucleotide variant.
Coding change: c.3003G>A on transcript NM_019066.5 (MANE Select); coding-DNA position 3003, G replaced by A.
Protein change: p.Pro1001=; no amino-acid change (proline 1001 retained).
Molecular consequence: synonymous variant.
Genome position (GRCh38, 1-based): chr15:23,644,740, C>T on the plus strand (G>A on the coding strand, the complement: MAGEL2 is on the minus strand). VCF-style: chr15-23644740-C-T. GRCh37 (hg19) VCF-style: chr15-23889887-C-T.
Identifiers: ClinVar variation 2804898 (VCV002804898.3), dbSNP rs375960990, ClinGen allele CA7429769.

ClinVar aggregate classification (germline): Uncertain significance (1 of 4 stars; one submission).

gnomAD v4.1: 35 of 1,613,684 alleles (0.0022%); highest among the groups gnomAD compares: East Asian, 0.0045%; no homozygotes.

Submission:

Labcorp Genetics (formerly Invitae), Labcorp
Classification: Uncertain significance. Last evaluated: 2023-12-28. Review status: criteria provided, single submitter. Criteria: Invitae Variant Classification Sherloc (09022015). Collection method: clinical testing. Allele origin: germline.
Comment: This sequence change affects codon 1001 of the MAGEL2 mRNA. It is a 'silent' change, meaning that it does not change the encoded amino acid sequence of the MAGEL2 protein. This variant is present in population databases (rs375960990, gnomAD 0.003%). This variant has not been reported in the literature in individuals affected with MAGEL2-related conditions. In summary, the available evidence is currently insufficient to determine the role of this variant in disease. Therefore, it has been classified as a Variant of Uncertain Significance.